The following is an entry in ClinVar:

NM_000092.5(COL4A4):c.2815G>A (p.Gly939Ser)

Gene: COL4A4 (collagen type IV alpha 4 chain; minus strand). Cytogenetic location: 2q36.3.
Variant type: single nucleotide variant.
Coding change: c.2815G>A on transcript NM_000092.5 (MANE Select); coding-DNA position 2815, G replaced by A.
Protein change: p.Gly939Ser; replaces glycine 939 with serine.
Molecular consequence: missense variant.
Genome position (GRCh38, 1-based): chr2:227,054,639, C>T on the plus strand (G>A on the coding strand, the complement: COL4A4 is on the minus strand). VCF-style: chr2-227054639-C-T. GRCh37 (hg19) VCF-style: chr2-227919355-C-T.
Other names: short protein forms G939S.
Identifiers: ClinVar variation 3339284 (VCV003339284.1).

ClinVar aggregate classification (germline): Uncertain significance (1 of 4 stars; one submission).

Submission:

Women's Health and Genetics/Laboratory Corporation of America, LabCorp
Classification: Uncertain significance. Last evaluated: 2024-07-29. Review status: criteria provided, single submitter. Criteria: LabCorp Variant Classification Summary - May 2015. Collection method: clinical testing. Allele origin: germline.
Comment: Variant summary: COL4A4 c.2815G>A (p.Gly939Ser) results in a non-conservative amino acid change in the encoded protein sequence. Five of five in-silico tools predict a damaging effect of the variant on protein function. The frequency data for this variant in gnomAD is considered unreliable, as metrics indicate poor data quality at this position. To our knowledge, no occurrence of c.2815G>A in individuals affected with Alport Syndrome, Autosomal Recessive and no experimental evidence demonstrating its impact on protein function have been reported. No submitters have cited clinical-significance assessments for this variant to ClinVar. Based on the evidence outlined above, the variant was classified as uncertain significance.